The following is an entry in ClinVar:

NM_001367549.1(ATP13A3):c.310A>G (p.Asn104Asp)

Gene: ATP13A3 (ATPase 13A3; minus strand). Cytogenetic location: 3q29.
Variant type: single nucleotide variant.
Coding change: c.310A>G on transcript NM_001367549.1 (MANE Select); coding-DNA position 310, A replaced by G.
Protein change: p.Asn104Asp; replaces asparagine 104 with aspartic acid.
Molecular consequence: missense variant. On other transcripts: non-coding transcript variant (2).
Genome position (GRCh38, 1-based): chr3:194,459,887, T>C on the plus strand (A>G on the coding strand, the complement: ATP13A3 is on the minus strand). VCF-style: chr3-194459887-T-C. GRCh37 (hg19) VCF-style: chr3-194180616-T-C.
Other names: c.310A>G, p.Asn104Asp (NM_001374836.1, NM_024524.4); c.310A>G (NM_024524.3); short protein forms N104D.
Identifiers: ClinVar variation 1600895 (VCV001600895.13), dbSNP rs201046053, ClinGen allele CA2762301.
Genomic context (GRCh38, chr3:194,459,887, plus strand): 5'-GCCTATTTTCTTCAGTGGGATTCTCAATTAAACAAACTGCATGGCCATTTGAAAGCTTAT[T>C]AGACATAGATTTTGGACTTGAAACTGGGTAAGTTTCCAAAGAAAGAACGCGAATTTTTGC-3'
Protein context (NP_001354478.1, residues 94-114): YPVSSPKSMS[Asn104Asp]KLSNGHAVCL

ClinVar aggregate classification (germline): Benign/Likely benign. Review status: criteria provided, multiple submitters, no conflicts (2 of 4 stars). 5 submissions from 5 submitters: Benign (2); Likely benign (2). 1 of the submissions does not count toward it. Last evaluated 2025-12-25.

Conditions:
ATP13A3-related disorder. Also called: ATP13A3-related condition.

Allele frequency attached by ClinVar (database versions not stated): 1000 Genomes Project 0.00040; 1000 Genomes Project 30x 0.00062; TOPMed 0.00115; ESP Exome Variant Server 0.00127; gnomAD 0.00161 and 0.00168; gnomAD exomes 0.00177 and 0.00195; ExAC 0.00204.
gnomAD v4.1: 2,810 of 1,613,422 alleles (0.17%); highest among the groups gnomAD compares: Middle Eastern, 0.58%; 4 homozygotes.

Submissions (5):

Labcorp Genetics (formerly Invitae), Labcorp
Classification: Benign. Last evaluated: 2025-12-25. Review status: criteria provided, single submitter. Criteria: Invitae Variant Classification Sherloc (09022015). Collection method: clinical testing. Allele origin: germline.

Ambry Genetics
Classification: Likely benign. Last evaluated: 2025-08-10. Review status: criteria provided, single submitter. Criteria: Ambry Variant Classification Scheme 2023. Collection method: clinical testing. Allele origin: germline.

Blueprint Genetics
Classification: Likely benign. Last evaluated: 2024-11-26. Review status: criteria provided, single submitter. Criteria: ACMG Guidelines, 2015. Collection method: clinical testing. Allele origin: germline.

Breakthrough Genomics
Classification: Benign. Review status: criteria provided, single submitter. Criteria: ACMG Guidelines, 2015. Collection method: not provided. Allele origin: germline. Inheritance: Autosomal recessive inheritance. Affected: yes.

PreventionGenetics, part of Exact Sciences
Classification: Benign for ATP13A3-related condition. Last evaluated: 2019-05-08. Review status: no assertion criteria provided. Collection method: clinical testing. Allele origin: germline. Not counted in ClinVar's aggregate classification.
Comment: This variant is classified as benign based on ACMG/AMP sequence variant interpretation guidelines (Richards et al. 2015 PMID: 25741868, with internal and published modifications).